The following is an entry in ClinVar:

NM_006846.4(SPINK5):c.1372A>G (p.Ile458Val)

Gene: SPINK5 (serine peptidase inhibitor Kazal type 5; plus strand). Cytogenetic location: 5q32.
Variant type: single nucleotide variant.
Coding change: c.1372A>G on transcript NM_006846.4 (MANE Select); coding-DNA position 1372, A replaced by G.
Protein change: p.Ile458Val; replaces isoleucine 458 with valine.
Molecular consequence: missense variant.
Genome position (GRCh38, 1-based): chr5:148,101,850, A>G. VCF-style: chr5-148101850-A-G. GRCh37 (hg19) VCF-style: chr5-147481413-A-G.
Other names: c.1372A>G, p.Ile458Val (NM_001127698.2, NM_001127699.2); short protein forms I458V.
Identifiers: ClinVar variation 1987734 (VCV001987734.4), dbSNP rs1273563317, ClinGen allele CA361637319.
Genomic context (GRCh38, chr5:148,101,850, plus strand): 5'-AGTGAATACCGCAAATCCAGGAAAAACGGACGGCTTTTTTGCACCAGAGAGAATGACCCC[A>G]TCCAGGGCCCAGATGGAAAAATGCATGGCAACACCTGCTCCATGTGTGAGGCCTTCTTGT-3'
Protein context (NP_006837.2, residues 448-468): RLFCTRENDP[Ile458Val]QGPDGKMHGN

ClinVar aggregate classification (germline): Uncertain significance (1 of 4 stars; one submission).

Conditions:
Ichthyosis linearis circumflexa. Identifiers: MedGen C0265962, MONDO:0043106, HP:0025810.

Allele frequency attached by ClinVar (database versions not stated): gnomAD exomes below 0.00001.
gnomAD v4.1: 2 of 1,613,788 alleles (0.00012%); highest among the groups gnomAD compares: South Asian, 0.0022%; no homozygotes.

Submission:

Labcorp Genetics (formerly Invitae), Labcorp
Classification: Uncertain significance for Ichthyosis linearis circumflexa. Last evaluated: 2024-02-17. Review status: criteria provided, single submitter. Criteria: Invitae Variant Classification Sherloc (09022015). Collection method: clinical testing. Allele origin: germline.
Comment: This sequence change replaces isoleucine, which is neutral and non-polar, with valine, which is neutral and non-polar, at codon 458 of the SPINK5 protein (p.Ile458Val). This variant is present in population databases (no rsID available, gnomAD 0.003%). This variant has not been reported in the literature in individuals affected with SPINK5-related conditions. ClinVar contains an entry for this variant (Variation ID: 1987734). Advanced modeling of protein sequence and biophysical properties (such as structural, functional, and spatial information, amino acid conservation, physicochemical variation, residue mobility, and thermodynamic stability) performed at Invitae indicates that this missense variant is not expected to disrupt SPINK5 protein function with a negative predictive value of 80%. In summary, the available evidence is currently insufficient to determine the role of this variant in disease. Therefore, it has been classified as a Variant of Uncertain Significance.